The following is an entry in ClinVar:

NM_001256317.3(TMPRSS3):c.231C>T (p.Tyr77=)

Gene: TMPRSS3 (transmembrane serine protease 3; minus strand). Cytogenetic location: 21q22.3.
Variant type: single nucleotide variant.
Coding change: c.231C>T on transcript NM_001256317.3 (MANE Select); coding-DNA position 231, C replaced by T.
Protein change: p.Tyr77=; no amino-acid change (tyrosine 77 retained).
Molecular consequence: synonymous variant. On other transcripts: 5 prime UTR variant (1).
Genome position (GRCh38, 1-based): chr21:42,389,020, G>A on the plus strand (C>T on the coding strand, the complement: TMPRSS3 is on the minus strand). VCF-style: chr21-42389020-G-A. GRCh37 (hg19) VCF-style: chr21-43809129-G-A.
Other names: c.231C>T, p.Tyr77= (NM_024022.4, NM_032405.2); c.-151C>T (NM_032404.3).
Identifiers: ClinVar variation 810901 (VCV000810901.21), dbSNP rs139934512, ClinGen allele CA10042705.

ClinVar aggregate classification (germline): Benign/Likely benign. Review status: criteria provided, multiple submitters, no conflicts (2 of 4 stars). 6 submissions from 6 submitters: Benign (2); Likely benign (4). Last evaluated 2026-01-06.

Conditions:
TMPRSS3-related disorder. Also called: TMPRSS3-related condition.
Autosomal recessive nonsyndromic hearing loss 8 (DFNB8). Also called: Deafness, autosomal recessive 10; NEUROSENSORY NONSYNDROMIC RECESSIVE DEAFNESS 8. Identifiers: Orphanet 90636, MedGen C1832827, MONDO:0010987, OMIM 601072.

Allele frequency attached by ClinVar (database versions not stated): TOPMed 0.00134; ESP Exome Variant Server 0.00146; 1000 Genomes Project 30x 0.00172; 1000 Genomes Project 0.00180; gnomAD exomes 0.00014 and 0.00036; ExAC 0.00045; gnomAD 0.00115 and 0.00125.
gnomAD v4.1: 374 of 1,614,188 alleles (0.023%); highest among the groups gnomAD compares: African/African-American, 0.46%; 3 homozygotes.

Submissions (6):

Labcorp Genetics (formerly Invitae), Labcorp
Classification: Benign. Last evaluated: 2026-01-06. Review status: criteria provided, single submitter. Criteria: Invitae Variant Classification Sherloc (09022015). Collection method: clinical testing. Allele origin: germline.

PreventionGenetics, part of Exact Sciences
Classification: Likely benign for TMPRSS3-related condition. Last evaluated: 2025-01-05. Review status: criteria provided, single submitter. Criteria: ACMG Guidelines, 2015. Collection method: clinical testing. Allele origin: germline.
Comment: This variant is classified as likely benign based on ACMG/AMP sequence variant interpretation guidelines (Richards et al. 2015 PMID: 25741868, with internal and published modifications).

Blueprint Genetics
Classification: Likely benign. Last evaluated: 2023-08-17. Review status: criteria provided, single submitter. Criteria: ACMG Guidelines, 2015. Collection method: clinical testing. Allele origin: germline.

GeneDx
Classification: Likely benign. Last evaluated: 2020-02-11. Review status: criteria provided, single submitter. Criteria: GeneDx Variant Classification Process June 2021. Collection method: clinical testing. Allele origin: germline. Affected: yes.

ARUP Laboratories, Molecular Genetics and Genomics, ARUP Laboratories
Classification: Benign for Autosomal recessive nonsyndromic hearing loss 8. Last evaluated: 2018-08-31. Review status: criteria provided, single submitter. Criteria: ARUP Molecular Germline Variant Investigation Process. Collection method: clinical testing. Allele origin: germline.

Breakthrough Genomics
Classification: Likely benign. Review status: criteria provided, single submitter. Criteria: ACMG Guidelines, 2015. Collection method: not provided. Allele origin: germline. Inheritance: Autosomal recessive inheritance. Affected: yes.